The following is an entry in ClinVar:

ClinVar aggregate classification (germline): Conflicting classifications of pathogenicity. Review status: criteria provided, conflicting classifications (1 of 4 stars). 5 submissions from 5 submitters: Uncertain significance (2); Likely benign (2). 1 of the submissions does not count toward it. Last evaluated 2026-01-18.

Conditions:
Usher syndrome type 2A. Also called: RETINAL DISEASE IN USHER SYNDROME TYPE IIA, MODIFIER OF; USHER SYNDROME, TYPE IIA. Identifiers: Orphanet 231178, Orphanet 886, MedGen C1848634, MONDO:0010169, OMIM 276901.
USH2A-related disorder. Also called: USH2A-related condition; USH2A-related disorders. Identifiers: MedGen CN239332.

Allele frequency attached by ClinVar (database versions not stated): gnomAD 0.00006 and 0.00007; TOPMed 0.00006; ExAC 0.00007; gnomAD exomes 0.00007 and 0.00008; ESP Exome Variant Server 0.00008.
gnomAD v4.1: 132 of 1,614,050 alleles (0.0082%); highest among the groups gnomAD compares: Non-Finnish European, 0.011%; no homozygotes.

Submissions (5):

Labcorp Genetics (formerly Invitae), Labcorp
Classification: Likely benign. Last evaluated: 2026-01-18. Review status: criteria provided, single submitter. Criteria: Invitae Variant Classification Sherloc (09022015). Collection method: clinical testing. Allele origin: germline.

GeneDx
Classification: Uncertain significance. Last evaluated: 2025-09-22. Review status: criteria provided, single submitter. Criteria: GeneDx Variant Classification Process June 2021. Collection method: clinical testing. Allele origin: germline. Affected: yes.
Comment: In silico analysis suggests that this missense variant does not alter protein structure/function; Has not been previously published as pathogenic or benign to our knowledge

PreventionGenetics, part of Exact Sciences
Classification: Uncertain significance for USH2A-related condition. Last evaluated: 2025-01-17. Review status: criteria provided, single submitter. Criteria: ACMG Guidelines, 2015. Collection method: clinical testing. Allele origin: germline.
Comment: The USH2A c.2365G>A variant is predicted to result in the amino acid substitution p.Val789Ile. To our knowledge, this variant has not been reported in the literature. This variant is reported in 0.016% of alleles in individuals of European (Non-Finnish) descent in gnomAD. At this time, the clinical significance of this variant is uncertain due to the absence of conclusive functional and genetic evidence.

Blueprint Genetics
Classification: Likely benign. Last evaluated: 2024-11-12. Review status: criteria provided, single submitter. Criteria: ACMG Guidelines, 2015. Collection method: clinical testing. Allele origin: germline.

Natera, Inc.
Classification: Uncertain significance for Usher syndrome type 2A. Last evaluated: 2020-02-13. Review status: no assertion criteria provided. Collection method: clinical testing. Allele origin: germline. Not counted in ClinVar's aggregate classification.

NM_206933.4(USH2A):c.2365G>A (p.Val789Ile)

Genes: USH2A (usherin; minus strand), LOC122152296 (Sharpr-MPRA regulatory region 8762; plus strand). Cytogenetic location: 1q41.
Variant type: single nucleotide variant.
Coding change: c.2365G>A on transcript NM_206933.4 (MANE Select); coding-DNA position 2365, G replaced by A.
Protein change: p.Val789Ile; replaces valine 789 with isoleucine.
Molecular consequence: missense variant.
Genome position (GRCh38, 1-based): chr1:216,247,029, C>T on the plus strand (G>A on the coding strand, the complement: USH2A is on the minus strand). VCF-style: chr1-216247029-C-T. GRCh37 (hg19) VCF-style: chr1-216420371-C-T.
Other names: c.2365G>A, p.Val789Ile (NM_007123.6); short protein forms V789I.
Identifiers: ClinVar variation 751828 (VCV000751828.17), dbSNP rs199571930, ClinGen allele CA1396244.
Genomic context (GRCh38, chr1:216,247,029, plus strand): 5'-TACAGACAGTCCCAGGGAGGGATCCAGCTGTGTCACAGTCACAGGCCTTACAATTGGTGA[C>T]ATCTAACCCATAAAAGTTTTCTCTGCAGGTGTCACACTGAAGTCCTTTGGCTTCTTTTTT-3'
Protein context (NP_996816.3, residues 779-799): TCRENFYGLD[Val789Ile]TNCKACDCDT